The following is an entry in ClinVar:

NM_000548.5(TSC2):c.1742G>A (p.Ser581Asn)

Gene: TSC2 (TSC complex subunit 2; plus strand). Cytogenetic location: 16p13.3.
Variant type: single nucleotide variant.
Coding change: c.1742G>A on transcript NM_000548.5 (MANE Select); coding-DNA position 1742, G replaced by A.
Protein change: p.Ser581Asn; replaces serine 581 with asparagine.
Molecular consequence: missense variant.
Genome position (GRCh38, 1-based): chr16:2,070,481, G>A. VCF-style: chr16-2070481-G-A. GRCh37 (hg19) VCF-style: chr16-2120482-G-A.
Other names: c.1742G>A, p.Ser581Asn (NM_001114382.3, NM_001363528.2, NM_001370404.1 and 3 more transcripts); c.1631G>A, p.Ser544Asn (NM_001318827.2); c.1595G>A, p.Ser532Asn (NM_001318829.2); c.1142G>A, p.Ser381Asn (NM_001318831.2); c.1775G>A, p.Ser592Asn (NM_001318832.2); short protein forms S581N, S381N, S592N, S544N, S532N.
Identifiers: ClinVar variation 50153 (VCV000050153.8), dbSNP rs45517197, ClinGen allele CA015625.

ClinVar aggregate classification (germline): Uncertain significance. Review status: criteria provided, multiple submitters, no conflicts (2 of 4 stars). 3 submissions from 3 submitters: Uncertain significance (2). 1 of the submissions does not count toward it. Last evaluated 2024-02-12.

Conditions:
Tuberous sclerosis 2 (TSC2). Identifiers: Orphanet 805, MedGen C1860707, MONDO:0013199, OMIM 613254.
Tuberous sclerosis syndrome (TSC). Also called: Tuberous Sclerosis Complex; Tuberous sclerosis. Identifiers: Orphanet 805, MedGen C0041341, MONDO:0001734.
Hereditary cancer-predisposing syndrome. Also called: Neoplastic Syndromes, Hereditary; Tumor predisposition; Hereditary Cancer Syndrome; Hereditary neoplastic syndrome. Identifiers: Orphanet 140162, MedGen C0027672, MeSH D009386, MONDO:0015356.

Submissions (3):

Labcorp Genetics (formerly Invitae), Labcorp
Classification: Uncertain significance for Tuberous sclerosis 2. Last evaluated: 2024-02-12. Review status: criteria provided, single submitter. Criteria: Invitae Variant Classification Sherloc (09022015). Collection method: clinical testing. Allele origin: germline.
Comment: This sequence change replaces serine, which is neutral and polar, with asparagine, which is neutral and polar, at codon 581 of the TSC2 protein (p.Ser581Asn). This variant is not present in population databases (gnomAD no frequency). This variant has not been reported in the literature in individuals affected with TSC2-related conditions. ClinVar contains an entry for this variant (Variation ID: 50153). Advanced modeling of protein sequence and biophysical properties (such as structural, functional, and spatial information, amino acid conservation, physicochemical variation, residue mobility, and thermodynamic stability) performed at Invitae indicates that this missense variant is not expected to disrupt TSC2 protein function with a negative predictive value of 95%. In summary, the available evidence is currently insufficient to determine the role of this variant in disease. Therefore, it has been classified as a Variant of Uncertain Significance.

Ambry Genetics
Classification: Uncertain significance for Hereditary cancer-predisposing syndrome. Last evaluated: 2023-10-26. Review status: criteria provided, single submitter. Criteria: Ambry Variant Classification Scheme 2023. Collection method: clinical testing. Allele origin: germline.
Comment: The p.S581N variant (also known as c.1742G>A), located in coding exon 16 of the TSC2 gene, results from a G to A substitution at nucleotide position 1742. The serine at codon 581 is replaced by asparagine, an amino acid with highly similar properties. This amino acid position is well conserved in available vertebrate species. In addition, this alteration is predicted to be tolerated by in silico analysis. Since supporting evidence is limited at this time, the clinical significance of this alteration remains unclear.

Tuberous sclerosis database (TSC2)
No classification provided. Condition: TSC. Review status: no classification provided. Criteria: Tuberous Sclerosis Database Assertion Criteria 2015. Collection method: curation. Allele origin: germline. Affected: yes. Not counted in ClinVar's aggregate classification.